The following is an entry in ClinVar:

ClinVar aggregate classification (germline): Pathogenic (1 of 4 stars; one submission).

Conditions:
Hereditary cancer-predisposing syndrome. Also called: Tumor predisposition; Neoplastic Syndromes, Hereditary; Hereditary Cancer Syndrome; Hereditary neoplastic syndrome. Identifiers: Orphanet 140162, MedGen C0027672, MeSH D009386, MONDO:0015356.

Submission:

Ambry Genetics
Classification: Pathogenic for Hereditary cancer-predisposing syndrome. Last evaluated: 2019-10-21. Review status: criteria provided, single submitter. Criteria: Ambry Variant Classification Scheme 2023. Collection method: clinical testing. Allele origin: germline.
Comment: The c.7914_7915insT pathogenic mutation, located in coding exon 52 of the ATM gene, results from an insertion of one nucleotide at position 7914, causing a predicted alternate stop codon (p.K2639*). This alteration is expected to result in loss of function by premature protein truncation or nonsense-mediated mRNA decay. As such, this alteration is interpreted as a disease-causing mutation.

NM_000051.4(ATM):c.7914_7915insT (p.Lys2639Ter)

Genes: ATM (ATM serine/threonine kinase; plus strand), C11orf65 (chromosome 11 open reading frame 65; minus strand). Cytogenetic location: 11q22.3.
Variant type: Insertion.
Coding change: c.7914_7915insT on transcript NM_000051.4 (MANE Select); coding-DNA positions 7914 to 7915, T inserted.
Protein change: p.Lys2639Ter; replaces lysine 2639 with a stop codon.
Molecular consequence: nonsense. On other transcripts: intron variant (2).
Genome position: GRCh38 VCF-style: chr11-108332887-G-GT. GRCh37 (hg19) VCF-style: chr11-108203614-G-GT.
Other names: c.7914_7915insT, p.Lys2639Ter (NM_001351834.2); c.641-23817_641-23816insA (NM_001330368.2); c.*38+2332_*38+2333insA (NM_001351110.2); short protein forms K2639*.
Identifiers: ClinVar variation 827328 (VCV000827328.6), dbSNP rs1591179199, ClinGen allele CA915948302.